The following is an entry in ClinVar:

ClinVar aggregate classification (germline): Pathogenic. Review status: criteria provided, multiple submitters, no conflicts (2 of 4 stars). 5 submissions from 5 submitters: Pathogenic (3). 2 of the submissions do not count toward it. Last evaluated 2025-12-02.

Conditions:
Shprintzen-Goldberg syndrome (SGS). Also called: SHPRINTZEN-GOLDBERG CRANIOSYNOSTOSIS SYNDROME; CRANIOSYNOSTOSIS WITH ARACHNODACTYLY AND ABDOMINAL HERNIAS; Marfanoid disorder with craniosynostosis type 1; Marfanoid craniosynostosis syndrome; Shprintzen-Goldberg marfanoid syndrome. Identifiers: Orphanet 2462, MedGen C1321551, MONDO:0008426, OMIM 182212.

Submissions (5):

3billion
Classification: Pathogenic for Shprintzen-Goldberg syndrome. Last evaluated: 2025-12-02. Review status: criteria provided, single submitter. Criteria: ACMG Guidelines, 2015. Collection method: clinical testing. Allele origin: germline. Affected: yes.
Comment: The variant is not observed in the gnomAD v4.1.0 dataset. Predicted Consequence/Location: Missense variant. Missense changes are a common disease-causing mechanism. In silico tool predictions suggest damaging effect of the variant on gene or gene product [REVEL: 0.85 (>=0.6, sensitivity 0.68 and specificity 0.92); 3Cnet: 0.99 (> 0.75, sensitivity 0.96 and precision 0.92)]. The same nucleotide change resulting in the same amino acid change has been previously reported as pathogenic/likely pathogenic with strong evidence (ClinVar ID: VCV000039783 /PMID: 23103230). Different missense changes at the same codon (p.Gly34Ala, p.Gly34Arg, p.Gly34Asp, p.Gly34Cys, p.Gly34Ser) have been reported as pathogenic/likely pathogenic with strong evidence (ClinVar ID: VCV000037260, VCV000037261, VCV000037262, VCV002225761 /PMID: 23023332, 24736733 /3billion dataset). Therefore, this variant is classified as Pathogenic according to the recommendation of ACMG/AMP guideline.

DECIPHERD-UDD, Universidad del Desarrollo
Classification: Pathogenic for Shprintzen-Goldberg syndrome. Last evaluated: 2023-07-01. Review status: criteria provided, single submitter. Criteria: ACMG Guidelines, 2015. Collection method: research. Allele origin: unknown. Affected: yes.

Baylor Genetics
Classification: Pathogenic for Shprintzen-Goldberg syndrome. Last evaluated: 2019-11-15. Review status: criteria provided, single submitter. Criteria: ACMG Guidelines, 2015. Collection method: clinical testing. Allele origin: unknown. Affected: yes.
Comment: This variant was determined to be pathogenic according to ACMG Guidelines, 2015 [PMID:25741868].

Centre de Biologie Pathologie Génétique, Centre Hospitalier Universitaire de Lille
Classification: Pathogenic for Shprintzen-Goldberg syndrome. Last evaluated: 2019-01-01. Review status: no assertion criteria provided. Collection method: clinical testing. Allele origin: de novo. Affected: yes. Not counted in ClinVar's aggregate classification.

OMIM
Classification: Pathogenic for SHPRINTZEN-GOLDBERG CRANIOSYNOSTOSIS SYNDROME. Last evaluated: 2015-02-01. Review status: no assertion criteria provided. Collection method: literature only. Allele origin: unknown. Not counted in ClinVar's aggregate classification.

Literature cited by the submitters: PubMed 23023332 (cited by 3billion); PubMed 23103230 (cited by 3billion and OMIM); PubMed 38177409 (cited by DECIPHERD-UDD, Universidad del Desarrollo); PubMed 24736733 (cited by OMIM).

NM_003036.4(SKI):c.101G>T (p.Gly34Val)

Gene: SKI (SKI proto-oncogene; plus strand). Cytogenetic location: 1p36.33.
Variant type: single nucleotide variant.
Coding change: c.101G>T on transcript NM_003036.4 (MANE Select); coding-DNA position 101, G replaced by T.
Protein change: p.Gly34Val; replaces glycine 34 with valine.
Molecular consequence: missense variant.
Genome position (GRCh38, 1-based): chr1:2,228,867, G>T. VCF-style: chr1-2228867-G-T. GRCh37 (hg19) VCF-style: chr1-2160306-G-T.
Other names: short protein forms G34V.
Identifiers: ClinVar variation 39783 (VCV000039783.5), dbSNP rs387907305, ClinGen allele CA261219.